The following is an entry in ClinVar:

NM_003803.4(MYOM1):c.175G>A (p.Glu59Lys)

Gene: MYOM1 (myomesin 1; minus strand). Cytogenetic location: 18p11.31.
Variant type: single nucleotide variant.
Coding change: c.175G>A on transcript NM_003803.4 (MANE Select); coding-DNA position 175, G replaced by A.
Protein change: p.Glu59Lys; replaces glutamic acid 59 with lysine.
Molecular consequence: missense variant.
Genome position (GRCh38, 1-based): chr18:3,215,049, C>T on the plus strand (G>A on the coding strand, the complement: MYOM1 is on the minus strand). VCF-style: chr18-3215049-C-T. GRCh37 (hg19) VCF-style: chr18-3215047-C-T.
Other names: c.175G>A, p.Glu59Lys (NM_019856.2); short protein forms E59K.
Identifiers: ClinVar variation 239569 (VCV000239569.8), dbSNP rs878854614, ClinGen allele CA10583699.

ClinVar aggregate classification (germline): Uncertain significance (1 of 4 stars; one submission).

Conditions:
Hypertrophic cardiomyopathy. Also called: HYPERTROPHIC MYOCARDIOPATHY. Identifiers: Orphanet 217569, MedGen C0007194, MeSH D002312, MONDO:0005045, HP:0001639.

Allele frequency attached by ClinVar (database versions not stated): gnomAD exomes below 0.00001.
gnomAD v4.1: 2 of 1,613,236 alleles (0.00012%); highest among the groups gnomAD compares: Non-Finnish European, 0.00017%; no homozygotes.

Submission:

Labcorp Genetics (formerly Invitae), Labcorp
Classification: Uncertain significance for Hypertrophic cardiomyopathy. Last evaluated: 2023-11-27. Review status: criteria provided, single submitter. Criteria: Invitae Variant Classification Sherloc (09022015). Collection method: clinical testing. Allele origin: germline.
Comment: This sequence change replaces glutamic acid, which is acidic and polar, with lysine, which is basic and polar, at codon 59 of the MYOM1 protein (p.Glu59Lys). This variant is not present in population databases (gnomAD no frequency). This variant has not been reported in the literature in individuals affected with MYOM1-related conditions. ClinVar contains an entry for this variant (Variation ID: 239569). An algorithm developed to predict the effect of missense changes on protein structure and function (PolyPhen-2) suggests that this variant is likely to be tolerated. In summary, the available evidence is currently insufficient to determine the role of this variant in disease. Therefore, it has been classified as a Variant of Uncertain Significance.